The following is an entry in ClinVar:

NM_000243.3(MEFV):c.1066C>G (p.Gln356Glu)

Gene: MEFV (MEFV innate immunity regulator, pyrin; minus strand). Cytogenetic location: 16p13.3.
Variant type: single nucleotide variant.
Coding change: c.1066C>G on transcript NM_000243.3 (MANE Select); coding-DNA position 1066, C replaced by G.
Protein change: p.Gln356Glu; replaces glutamine 356 with glutamic acid.
Molecular consequence: missense variant.
Genome position (GRCh38, 1-based): chr16:3,249,625, G>C on the plus strand (C>G on the coding strand, the complement: MEFV is on the minus strand). VCF-style: chr16-3249625-G-C. GRCh37 (hg19) VCF-style: chr16-3299625-G-C.
Other names: c.433C>G, p.Gln145Glu (NM_001198536.2); short protein forms Q356E, Q145E.
Identifiers: ClinVar variation 234501 (VCV000234501.6), dbSNP rs377754606, ClinGen allele CA7860240.
Genomic context (GRCh38, chr16:3,249,625, plus strand): 5'-TACACTGTGGCAGGGGCTGGGGGCTTAGGCTTCCCGGGCTCTTCCTTTCATGGGAGTCCT[G>C]GCACCGGGGGCAGCCAGGTGAGCGGCTGCCTGAGGCCTGGGGGTGCCCAGAAACTGCCTC-3'
Protein context (NP_000234.1, residues 346-366): GSRSPGCPRC[Gln356Glu]DSHERKSPGS

ClinVar aggregate classification (germline): Conflicting classifications of pathogenicity. Review status: criteria provided, conflicting classifications (1 of 4 stars). 6 submissions from 4 submitters: Uncertain significance (3); Likely benign (2). 1 of the submissions does not count toward it. Last evaluated 2024-03-19.

Conditions:
Familial Mediterranean fever (FMF). Also called: POLYSEROSITIS, FAMILIAL PAROXYSMAL; POLYSEROSITIS, RECURRENT; Periodic peritonitis; Benign paroxysmal peritonitis. Identifiers: Orphanet 342, MedGen C0031069, MONDO:0018088, OMIM 249100. Disease mechanism: gain of function.
Acute febrile neutrophilic dermatosis (AFND). Also called: Sweet Syndrome; Gomm Button disease. Identifiers: Orphanet 3243, MedGen C0085077, MONDO:0011959, OMIM 608068.
Familial Mediterranean fever, autosomal dominant. Also called: Dominant Familial Mediterranean Fever; FMF, AUTOSOMAL DOMINANT. Identifiers: Orphanet 342, MedGen C1851347, MONDO:0007601, OMIM 134610.

Allele frequency attached by ClinVar (database versions not stated): gnomAD 0.00003; TOPMed 0.00003; ESP Exome Variant Server 0.00008.
gnomAD v4.1: 6 of 1,613,864 alleles (0.00037%); highest among the groups gnomAD compares: African/African-American, 0.0067%; no homozygotes.

Submissions (6):

Fulgent Genetics
Classification: Uncertain significance for Familial Mediterranean fever, autosomal dominant; Familial Mediterranean fever; Acute febrile neutrophilic dermatosis. Last evaluated: 2024-03-19. Review status: criteria provided, single submitter. Criteria: ACMG Guidelines, 2015. Collection method: clinical testing. Allele origin: germline.

Genome-Nilou Lab
Classification: Uncertain significance for Familial Mediterranean fever. Last evaluated: 2023-02-08. Review status: criteria provided, single submitter. Criteria: ACMG Guidelines, 2015. Collection method: clinical testing. Allele origin: germline.

Genome-Nilou Lab
Classification: Likely benign for Familial Mediterranean fever, autosomal dominant. Last evaluated: 2023-02-08. Review status: criteria provided, single submitter. Criteria: ACMG Guidelines, 2015. Collection method: clinical testing. Allele origin: germline.

Genome-Nilou Lab
Classification: Likely benign for Acute febrile neutrophilic dermatosis. Last evaluated: 2023-02-08. Review status: criteria provided, single submitter. Criteria: ACMG Guidelines, 2015. Collection method: clinical testing. Allele origin: germline.

GeneDx
Classification: Uncertain significance. Last evaluated: 2015-08-04. Review status: criteria provided, single submitter. Criteria: GeneDx Variant Classification (06012015). Collection method: clinical testing. Allele origin: germline. Affected: yes.
Comment: The Q356E variant has not been published as a mutation, nor has it been reported as a benign polymorphism to our knowledge. The Q356E variant was not observed at any significant frequency in approximately 6,400 individuals of European and African American ancestry by the NHLBI Exome Sequencing Project. Q356E is a semi-conservative amino acid substitution, which may impact secondary protein structure as these residues differ in some properties. This substitution occurs at a position that is conserved in mammals. In silico analysis is inconsistent in its predictions as to whether or not the variant is damaging to the protein structure/function. Therefore, based on the currently available information, it is unclear whether this variant is a pathogenic mutation or a rare benign variant.

Natera, Inc.
Classification: Uncertain significance for Familial Mediterranean fever. Last evaluated: 2019-10-28. Review status: no assertion criteria provided. Collection method: clinical testing. Allele origin: germline. Not counted in ClinVar's aggregate classification.